The following is an entry in ClinVar:

ClinVar aggregate classification (germline): Uncertain significance (1 of 4 stars; one submission).

Conditions:
Emery-Dreifuss muscular dystrophy 4, autosomal dominant (EDMD4). Also called: EMERY-DREIFUSS MUSCULAR DYSTROPHY 4 WITH VARIABLE FEATURES. Identifiers: Orphanet 261, MedGen C2751807, MONDO:0013071, OMIM 612998.
Autosomal recessive ataxia, Beauce type. Also called: Spinocerebellar ataxia, autosomal recessive 8; ATAXIA, RECESSIVE, OF BEAUCE; SYNE1 Deficiency; SYNE1-Related Autosomal Recessive Cerebellar Ataxia. Identifiers: Orphanet 88644, MedGen C1853116, MONDO:0012549, OMIM 610743.

Allele frequency attached by ClinVar (database versions not stated): TOPMed below 0.00001.

Submission:

Labcorp Genetics (formerly Invitae), Labcorp
Classification: Uncertain significance for Emery-Dreifuss muscular dystrophy 4, autosomal dominant; Autosomal recessive ataxia, Beauce type. Last evaluated: 2024-12-02. Review status: criteria provided, single submitter. Criteria: Invitae Variant Classification Sherloc (09022015). Collection method: clinical testing. Allele origin: germline.
Comment: This sequence change replaces lysine, which is basic and polar, with arginine, which is basic and polar, at codon 201 of the SYNE1 protein (p.Lys201Arg). This variant is not present in population databases (gnomAD no frequency). This variant has not been reported in the literature in individuals affected with SYNE1-related conditions. ClinVar contains an entry for this variant (Variation ID: 1525841). An algorithm developed to predict the effect of missense changes on protein structure and function (PolyPhen-2) suggests that this variant is likely to be tolerated. In summary, the available evidence is currently insufficient to determine the role of this variant in disease. Therefore, it has been classified as a Variant of Uncertain Significance.

NM_182961.4(SYNE1):c.581A>G (p.Lys194Arg)

Gene: SYNE1 (spectrin repeat containing nuclear envelope protein 1; minus strand). Cytogenetic location: 6q25.2.
Variant type: single nucleotide variant.
Coding change: c.581A>G on transcript NM_182961.4 (MANE Select); coding-DNA position 581, A replaced by G.
Protein change: p.Lys194Arg; replaces lysine 194 with arginine.
Molecular consequence: missense variant.
Genome position (GRCh38, 1-based): chr6:152,510,193, T>C on the plus strand (A>G on the coding strand, the complement: SYNE1 is on the minus strand). VCF-style: chr6-152510193-T-C. GRCh37 (hg19) VCF-style: chr6-152831328-T-C.
Other names: c.602A>G, p.Lys201Arg (NM_033071.5); short protein forms K201R, K194R.
Identifiers: ClinVar variation 1525841 (VCV001525841.6), dbSNP rs2099078036, ClinGen allele CA366150375.